The following is an entry in ClinVar:

ClinVar aggregate classification (germline): Uncertain significance. Review status: criteria provided, multiple submitters, no conflicts (2 of 4 stars). 3 submissions from 3 submitters: Uncertain significance (3). Last evaluated 2023-02-28.

Conditions:
Inborn genetic diseases. Identifiers: MedGen C0950123, MeSH D030342.

Allele frequency attached by ClinVar (database versions not stated): ExAC 0.00002; gnomAD exomes 0.00002; TOPMed 0.00003; gnomAD 0.00004 and 0.00005.
gnomAD v4.1: 42 of 1,614,172 alleles (0.0026%); highest among the groups gnomAD compares: Middle Eastern, 0.099%; 1 homozygote.

Submissions (3):

Blueprint Genetics
Classification: Uncertain significance. Last evaluated: 2023-02-28. Review status: criteria provided, single submitter. Criteria: ACMG Guidelines, 2015. Collection method: clinical testing. Allele origin: germline.

Ambry Genetics
Classification: Uncertain significance for Inborn genetic diseases. Last evaluated: 2022-09-27. Review status: criteria provided, single submitter. Criteria: Ambry Variant Classification Scheme 2023. Collection method: clinical testing. Allele origin: germline.

Labcorp Genetics (formerly Invitae), Labcorp
Classification: Uncertain significance. Last evaluated: 2022-08-16. Review status: criteria provided, single submitter. Criteria: Invitae Variant Classification Sherloc (09022015). Collection method: clinical testing. Allele origin: germline.
Comment: This sequence change replaces serine, which is neutral and polar, with arginine, which is basic and polar, at codon 345 of the ASAH1 protein (p.Ser345Arg). This variant is present in population databases (rs764889509, gnomAD 0.006%). This variant has not been reported in the literature in individuals affected with ASAH1-related conditions. ClinVar contains an entry for this variant (Variation ID: 1434749). Algorithms developed to predict the effect of missense changes on protein structure and function are either unavailable or do not agree on the potential impact of this missense change (SIFT: "Deleterious"; PolyPhen-2: "Benign"; Align-GVGD: "Class C15"). In summary, the available evidence is currently insufficient to determine the role of this variant in disease. Therefore, it has been classified as a Variant of Uncertain Significance.

Literature cited by the submitters: PubMed 29692406 (cited by Ambry Genetics).

NM_177924.5(ASAH1):c.1035C>A (p.Ser345Arg)

Gene: ASAH1 (N-acylsphingosine amidohydrolase 1; minus strand). Cytogenetic location: 8p22.
Variant type: single nucleotide variant.
Coding change: c.1035C>A on transcript NM_177924.5 (MANE Select); coding-DNA position 1035, C replaced by A.
Protein change: p.Ser345Arg; replaces serine 345 with arginine.
Molecular consequence: missense variant.
Genome position (GRCh38, 1-based): chr8:18,059,347, G>T on the plus strand (C>A on the coding strand, the complement: ASAH1 is on the minus strand). VCF-style: chr8-18059347-G-T. GRCh37 (hg19) VCF-style: chr8-17916856-G-T.
Other names: c.1035C>A (NM_177924.3); c.1017C>A, p.Ser339Arg (NM_001127505.3); c.840C>A, p.Ser280Arg (NM_001363743.2); c.1083C>A, p.Ser361Arg (NM_004315.6); short protein forms S345R, S280R, S339R, S361R.
Identifiers: ClinVar variation 1434749 (VCV001434749.5), dbSNP rs764889509, ClinGen allele CA4650587.